The following is an entry in ClinVar:

ClinVar aggregate classification (germline): Likely benign. Review status: criteria provided, multiple submitters, no conflicts (2 of 4 stars). 5 submissions from 5 submitters: Likely benign (5). Last evaluated 2026-06-30.

Conditions:
APOB-related disorder. Also called: APOB-related condition; APOB-related disorders.
Cardiovascular phenotype. Identifiers: MedGen CN230736.
Familial hypobetalipoproteinemia 1. Also called: Hypobetalipoproteinemia, normotriglyceridemic; Acanthocytosis with hypobetalipoproteinemia; APOB-Related Familial Hypobetalipoproteinemia. Identifiers: MedGen C4551990, MONDO:0014252, OMIM 615558.
Hypercholesterolemia, autosomal dominant, type B (FHCL2). Also called: Familial Hypercholesterolemia Type B; APOLIPOPROTEIN B-100, FAMILIAL DEFECTIVE; APOLIPOPROTEIN B-100, FAMILIAL LIGAND-DEFECTIVE; Hyperlipoproteinemia Type IIb; HYPERCHOLESTEROLEMIA, FAMILIAL, DUE TO LIGAND-DEFECTIVE APOLIPOPROTEIN B; APOB-Related Familial Hypercholesterolemia, Autosomal Dominant. Identifiers: MedGen C1704417, MONDO:0007751, OMIM 144010.
Familial hypercholesterolemia. Also called: Familial hypercholesterolemias; Familial hypercholesterolaemia. Identifiers: MedGen C0020445, MONDO:0005439.

Allele frequency attached by ClinVar (database versions not stated): ExAC 0.00002; gnomAD 0.00002; gnomAD exomes 0.00003; TOPMed 0.00003.
gnomAD v4.1: 34 of 1,614,130 alleles (0.0021%); highest among the groups gnomAD compares: Non-Finnish European, 0.0028%; no homozygotes.

Submissions (5):

PreventionGenetics, part of Exact Sciences
Classification: Likely benign for APOB-related condition. Last evaluated: 2026-06-30. Review status: criteria provided, single submitter. Criteria: ACMG Guidelines, 2015. Collection method: clinical testing. Allele origin: germline.
Comment: This variant is classified as likely benign based on ACMG/AMP sequence variant interpretation guidelines (Richards et al. 2015 PMID: 25741868, with internal and published modifications).

Labcorp Genetics (formerly Invitae), Labcorp
Classification: Likely benign for Familial hypobetalipoproteinemia 1; Hypercholesterolemia, autosomal dominant, type B. Last evaluated: 2025-12-03. Review status: criteria provided, single submitter. Criteria: Invitae Variant Classification Sherloc (09022015). Collection method: clinical testing. Allele origin: germline.

Blueprint Genetics
Classification: Likely benign. Last evaluated: 2024-10-15. Review status: criteria provided, single submitter. Criteria: ACMG Guidelines, 2015. Collection method: clinical testing. Allele origin: germline.

GENinCode PLC
Classification: Likely benign for Familial hypercholesterolemia. Last evaluated: 2024-03-14. Review status: criteria provided, single submitter. Criteria: ACMG Guidelines, 2015. Collection method: clinical testing. Allele origin: germline.
Comment: This is a synonymous (silent) variant that is not predicted by SpliceAI to impact splicing. In addition, it occurs at a nucleotide that is not conserved. Therefore this variant has been classified as Likely Benign (BP4, BP7).

Ambry Genetics
Classification: Likely benign for Cardiovascular phenotype. Last evaluated: 2019-12-05. Review status: criteria provided, single submitter. Criteria: Ambry Variant Classification Scheme 2023. Collection method: clinical testing. Allele origin: germline.

NM_000384.3(APOB):c.2331C>G (p.Leu777=)

Gene: APOB (apolipoprotein B; minus strand). Cytogenetic location: 2p24.1.
Variant type: single nucleotide variant.
Coding change: c.2331C>G on transcript NM_000384.3 (MANE Select); coding-DNA position 2331, C replaced by G.
Protein change: p.Leu777=; no amino-acid change (leucine 777 retained).
Molecular consequence: synonymous variant.
Genome position (GRCh38, 1-based): chr2:21,025,038, G>C on the plus strand (C>G on the coding strand, the complement: APOB is on the minus strand). VCF-style: chr2-21025038-G-C. GRCh37 (hg19) VCF-style: chr2-21247910-G-C.
Identifiers: ClinVar variation 630343 (VCV000630343.69), dbSNP rs759073099, ClinGen allele CA055869.